The following is an entry in ClinVar:

NM_017636.4(TRPM4):c.2410G>T (p.Asp804Tyr)

Gene: TRPM4 (transient receptor potential cation channel subfamily M member 4; plus strand). Cytogenetic location: 19q13.33.
Variant type: single nucleotide variant.
Coding change: c.2410G>T on transcript NM_017636.4 (MANE Select); coding-DNA position 2410, G replaced by T.
Protein change: p.Asp804Tyr; replaces aspartic acid 804 with tyrosine.
Molecular consequence: missense variant. On other transcripts: intron variant (1).
Genome position (GRCh38, 1-based): chr19:49,196,639, G>T. VCF-style: chr19-49196639-G-T. GRCh37 (hg19) VCF-style: chr19-49699896-G-T.
Other names: c.2065G>T, p.Asp689Tyr (NM_001321281.2); c.802G>T, p.Asp268Tyr (NM_001321282.2); c.1888G>T, p.Asp630Tyr (NM_001321283.2); c.1348G>T, p.Asp450Tyr (NM_001321285.2); c.2211-3661G>T (NM_001195227.2); short protein forms D804Y, D268Y, D450Y, D630Y, D689Y.
Identifiers: ClinVar variation 4844625 (VCV004844625.1).

ClinVar aggregate classification (germline): Uncertain significance (1 of 4 stars; one submission).

Conditions:
Cardiovascular phenotype. Identifiers: MedGen CN230736.

Submission:

Ambry Genetics
Classification: Uncertain significance for Cardiovascular phenotype. Last evaluated: 2026-01-25. Review status: criteria provided, single submitter. Criteria: Ambry Variant Classification Scheme 2023. Collection method: clinical testing. Allele origin: germline.
Comment: The p.D804Y variant (also known as c.2410G>T), located in coding exon 17 of the TRPM4 gene, results from a G to T substitution at nucleotide position 2410. The aspartic acid at codon 804 is replaced by tyrosine, an amino acid with highly dissimilar properties. This amino acid position is conserved. In addition, the in silico prediction for this alteration is inconclusive. Based on the available evidence, the clinical significance of this variant remains unclear.